The following is an entry in ClinVar:

NM_004563.4(PCK2):c.1082C>T (p.Thr361Ile)

Genes: NRL (neural retina leucine zipper; minus strand), PCK2 (phosphoenolpyruvate carboxykinase 2, mitochondrial; plus strand). Cytogenetic location: 14q12.
Variant type: single nucleotide variant.
Coding change: c.1082C>T on transcript NM_004563.4 (MANE Select); coding-DNA position 1082, C replaced by T.
Protein change: p.Thr361Ile; replaces threonine 361 with isoleucine.
Molecular consequence: missense variant. On other transcripts: intron variant (3).
Genome position (GRCh38, 1-based): chr14:24,100,061, C>T. VCF-style: chr14-24100061-C-T. GRCh37 (hg19) VCF-style: chr14-24569270-C-T.
Other names: c.1082C>T, p.Thr361Ile (NM_001018073.3); c.680C>T, p.Thr227Ile (NM_001291556.2, NM_001308054.2); c.-28+14661G>A (NM_001354768.3, NM_001354770.2); c.-254+14661G>A (NM_006177.5); short protein forms T227I, T361I.
Identifiers: ClinVar variation 4708676 (VCV004708676.1).

ClinVar aggregate classification (germline): Uncertain significance (1 of 4 stars; one submission).

Submission:

Labcorp Genetics (formerly Invitae), Labcorp
Classification: Uncertain significance. Last evaluated: 2025-11-22. Review status: criteria provided, single submitter. Criteria: Invitae Variant Classification Sherloc (09022015). Collection method: clinical testing. Allele origin: germline.
Comment: This sequence change replaces threonine, which is neutral and polar, with isoleucine, which is neutral and non-polar, at codon 361 of the PCK2 protein (p.Thr361Ile). This variant is present in population databases (rs769153801, gnomAD 0.009%). This variant has not been reported in the literature in individuals affected with PCK2-related conditions. Invitae Evidence Modeling of protein sequence and biophysical properties (such as structural, functional, and spatial information, amino acid conservation, physicochemical variation, residue mobility, and thermodynamic stability) indicates that this missense variant is expected to disrupt PCK2 protein function with a positive predictive value of 80%. In summary, the available evidence is currently insufficient to determine the role of this variant in disease. Therefore, it has been classified as a Variant of Uncertain Significance.